The following is an entry in ClinVar:

ClinVar aggregate classification (germline): Uncertain significance (1 of 4 stars; one submission).

Submission:

GeneDx
Classification: Uncertain significance. Last evaluated: 2023-11-27. Review status: criteria provided, single submitter. Criteria: GeneDx Variant Classification Process June 2021. Collection method: clinical testing. Allele origin: germline. Affected: yes.
Comment: Not observed at significant frequency in large population cohorts (gnomAD); Missense variants in this gene are a common cause of disease and they are underrepresented in the general population; In silico analysis supports that this missense variant does not alter protein structure/function; Has not been previously published as pathogenic or benign to our knowledge; This substitution is predicted to be within the C-terminal cytoplasmic domain

NM_001165963.4(SCN1A):c.5539C>T (p.Leu1847Phe)

Genes: SCN1A (sodium voltage-gated channel alpha subunit 1; minus strand), LOC102724058 (uncharacterized LOC102724058; plus strand). Cytogenetic location: 2q24.3.
Variant type: single nucleotide variant.
Coding change: c.5539C>T on transcript NM_001165963.4 (MANE Select); coding-DNA position 5539, C replaced by T.
Protein change: p.Leu1847Phe; replaces leucine 1847 with phenylalanine.
Molecular consequence: missense variant. On other transcripts: non-coding transcript variant (1).
Genome position (GRCh38, 1-based): chr2:165,991,736, G>A on the plus strand (C>T on the coding strand, the complement: SCN1A is on the minus strand). VCF-style: chr2-165991736-G-A. GRCh37 (hg19) VCF-style: chr2-166848246-G-A.
Other names: c.5455C>T, p.Leu1819Phe (NM_001165964.3, NM_001353957.2, NM_001353958.2); c.5539C>T, p.Leu1847Phe (NM_001202435.3, NM_001353948.2); c.5506C>T, p.Leu1836Phe (NM_001353949.2, NM_001353950.2, NM_001353951.2 and 2 more transcripts); c.5503C>T, p.Leu1835Phe (NM_001353954.2, NM_001353955.2); c.5452C>T, p.Leu1818Phe (NM_001353960.2); c.3097C>T, p.Leu1033Phe (NM_001353961.2); short protein forms L1033F, L1818F, L1819F, L1835F, L1836F, L1847F.
Identifiers: ClinVar variation 3342756 (VCV003342756.1).